The following is an entry in ClinVar:

ClinVar aggregate classification (germline): Uncertain significance. Review status: criteria provided, multiple submitters, no conflicts (2 of 4 stars). 2 submissions from 2 submitters: Uncertain significance (2). Last evaluated 2025-05-23.

Conditions:
Inborn genetic diseases. Identifiers: MedGen C0950123, MeSH D030342.
Immunodeficiency, common variable, 10. Also called: IMMUNODEFICIENCY, COMMON VARIABLE, WITH CENTRAL ADRENAL INSUFFICIENCY; DEFICIT IN ANTERIOR PITUITARY FUNCTION AND VARIABLE IMMUNODEFICIENCY. Identifiers: MedGen C3809991, MONDO:0014260, OMIM 615577.

Allele frequency attached by ClinVar (database versions not stated): gnomAD 0.00001 and 0.00002; TOPMed 0.00004.
gnomAD v4.1: 4 of 1,604,704 alleles (0.00025%); highest among the groups gnomAD compares: Admixed American, 0.005%; no homozygotes.

Submissions (2):

Ambry Genetics
Classification: Uncertain significance for Inborn genetic diseases. Last evaluated: 2025-05-23. Review status: criteria provided, single submitter. Criteria: Ambry Variant Classification Scheme 2023. Collection method: clinical testing. Allele origin: germline.

Labcorp Genetics (formerly Invitae), Labcorp
Classification: Uncertain significance for Immunodeficiency, common variable, 10. Last evaluated: 2025-05-11. Review status: criteria provided, single submitter. Criteria: Invitae Variant Classification Sherloc (09022015). Collection method: clinical testing. Allele origin: germline.
Comment: This sequence change replaces glycine, which is neutral and non-polar, with arginine, which is basic and polar, at codon 8 of the NFKB2 protein (p.Gly8Arg). This variant is not present in population databases (gnomAD no frequency). This variant has not been reported in the literature in individuals affected with NFKB2-related conditions. ClinVar contains an entry for this variant (Variation ID: 1517693). An algorithm developed to predict the effect of missense changes on protein structure and function (PolyPhen-2) suggests that this variant is likely to be tolerated. Algorithms developed to predict the effect of sequence changes on RNA splicing suggest that this variant may disrupt the consensus splice site. In summary, the available evidence is currently insufficient to determine the role of this variant in disease. Therefore, it has been classified as a Variant of Uncertain Significance.

NM_001322934.2(NFKB2):c.22G>C (p.Gly8Arg)

Genes: NFKB2 (nuclear factor kappa B subunit 2; plus strand), LOC130004598 (ATAC-STARR-seq lymphoblastoid active region 3929; plus strand). Cytogenetic location: 10q24.32.
Variant type: single nucleotide variant.
Coding change: c.22G>C on transcript NM_001322934.2 (MANE Select); coding-DNA position 22, G replaced by C.
Protein change: p.Gly8Arg; replaces glycine 8 with arginine.
Molecular consequence: missense variant.
Genome position (GRCh38, 1-based): chr10:102,396,253, G>C. VCF-style: chr10-102396253-G-C. GRCh37 (hg19) VCF-style: chr10-104156010-G-C.
Other names: c.22G>C, p.Gly8Arg (NM_001077494.3, NM_001261403.3, NM_001288724.1 and 2 more transcripts); c.22G>C (NM_001077494.1); short protein forms G8R.
Identifiers: ClinVar variation 1517693 (VCV001517693.9), dbSNP rs922475027, ClinGen allele CA377895726.